The following is an entry in ClinVar:

ClinVar aggregate classification (germline): Conflicting classifications of pathogenicity. Review status: criteria provided, conflicting classifications (1 of 4 stars). 2 submissions from 2 submitters: Uncertain significance (1); Likely benign (1). Last evaluated 2025-12-04.

Conditions:
IMPDH1-related disorder. Also called: IMPDH1-related condition; IMPDH1-related disorders.

Allele frequency attached by ClinVar (database versions not stated): gnomAD exomes below 0.00001; TOPMed below 0.00001; ExAC 0.00001.

Submissions (2):

PreventionGenetics, part of Exact Sciences
Classification: Likely benign for IMPDH1-related condition. Last evaluated: 2025-12-04. Review status: criteria provided, single submitter. Criteria: ACMG Guidelines, 2015. Collection method: clinical testing. Allele origin: germline.
Comment: This variant is classified as likely benign based on ACMG/AMP sequence variant interpretation guidelines (Richards et al. 2015 PMID: 25741868, with internal and published modifications).

Labcorp Genetics (formerly Invitae), Labcorp
Classification: Uncertain significance. Last evaluated: 2022-06-23. Review status: criteria provided, single submitter. Criteria: Invitae Variant Classification Sherloc (09022015). Collection method: clinical testing. Allele origin: germline.
Comment: This sequence change falls in intron 14 of the IMPDH1 gene. It does not directly change the encoded amino acid sequence of the IMPDH1 protein. It affects a nucleotide within the consensus splice site. This variant is present in population databases (rs770342131, gnomAD 0.003%). This variant has not been reported in the literature in individuals affected with IMPDH1-related conditions. Variants that disrupt the consensus splice site are a relatively common cause of aberrant splicing (PMID: 17576681, 9536098). Algorithms developed to predict the effect of sequence changes on RNA splicing suggest that this variant is not likely to affect RNA splicing. In summary, the available evidence is currently insufficient to determine the role of this variant in disease. Therefore, it has been classified as a Variant of Uncertain Significance.

Literature cited by the submitters: PubMed 17576681 (cited by Labcorp Genetics (formerly Invitae), Labcorp); PubMed 9536098 (cited by Labcorp Genetics (formerly Invitae), Labcorp).

NM_000883.4(IMPDH1):c.1550+5C>T

Gene: IMPDH1 (inosine monophosphate dehydrogenase 1; minus strand). Cytogenetic location: 7q32.1.
Variant type: single nucleotide variant.
Coding change: c.1550+5C>T on transcript NM_000883.4 (MANE Select); 5 bases into the intron after coding-DNA position 1550, C replaced by T.
Molecular consequence: intron variant.
Genome position (GRCh38, 1-based): chr7:128,394,884, G>A on the plus strand (C>T on the coding strand, the complement: IMPDH1 is on the minus strand). VCF-style: chr7-128394884-G-A. GRCh37 (hg19) VCF-style: chr7-128034938-G-A.
Other names: c.1343+5C>T (NM_001304521.2); c.1442+5C>T (NM_183243.3); c.1520+5C>T (NM_001102605.2); c.1451+5C>T (NM_001142576.2); c.1220+5C>T (NM_001142575.2); c.1280+5C>T (NM_001142574.2); c.1295+5C>T (NM_001142573.2); c.1550+5C>T (NM_000883.3).
Identifiers: ClinVar variation 1985222 (VCV001985222.5), dbSNP rs770342131, ClinGen allele CA4470810.